The following is an entry in ClinVar:

ClinVar aggregate classification (germline): Conflicting classifications of pathogenicity. Review status: criteria provided, conflicting classifications (1 of 4 stars). 4 submissions from 4 submitters: Likely pathogenic (1); Uncertain significance (3). Last evaluated 2025-03-18.

Conditions:
Dihydropyrimidinase deficiency (DPYSD). Also called: dihydropyrimidinuria; DPH DEFICIENCY; DPYS DEFICIENCY. Identifiers: Orphanet 38874, MedGen C0342803, MONDO:0009111, OMIM 222748.
DPYS-related disorders.

Allele frequency attached by ClinVar (database versions not stated): 1000 Genomes Project 30x 0.00016; 1000 Genomes Project 0.00020; gnomAD 0.00021; gnomAD exomes 0.00023 and 0.00030; TOPMed 0.00023; ExAC 0.00024; ESP Exome Variant Server 0.00031.
gnomAD v4.1: 471 of 1,614,238 alleles (0.029%); highest among the groups gnomAD compares: Middle Eastern, 0.066%; no homozygotes.

Submissions (4):

Women's Health and Genetics/Laboratory Corporation of America, LabCorp
Classification: Uncertain significance. Last evaluated: 2025-03-18. Review status: criteria provided, single submitter. Criteria: LabCorp Variant Classification Summary - May 2015. Collection method: clinical testing. Allele origin: germline.
Comment: Variant summary: DPYS c.1027A>G (p.Thr343Ala) results in a non-conservative amino acid change in the encoded protein sequence. Three of five in-silico tools predict a damaging effect of the variant on protein function. The variant allele was found at a frequency of 0.00023 in 251440 control chromosomes. This frequency is not significantly higher than estimated for a pathogenic variant in DPYS causing Dihydropyrimidinase Deficiency, allowing no conclusion about variant significance. c.1027A>G has been reported in the literature in individuals affected with Dihydropyrimidinase Deficiency (van Kuilenburg_2010). At least one publication reports experimental evidence evaluating an impact on protein function showing the variant results in 49% residual activity (vanKuilenburg_2010). The following publications have been ascertained in the context of this evaluation (PMID: 20362666, 28642038). ClinVar contains an entry for this variant (Variation ID: 1333583). Based on the evidence outlined above, the variant was classified as VUS-possibly pathogenic.

Blueprint Genetics
Classification: Likely pathogenic for DPYS-related disorders. Last evaluated: 2024-09-24. Review status: criteria provided, single submitter. Criteria: ACMG Guidelines, 2015. Collection method: clinical testing. Allele origin: germline. Affected: yes. Observed: 5 variant alleles.

Labcorp Genetics (formerly Invitae), Labcorp
Classification: Uncertain significance. Last evaluated: 2023-03-23. Review status: criteria provided, single submitter. Criteria: Invitae Variant Classification Sherloc (09022015). Collection method: clinical testing. Allele origin: germline.
Comment: ClinVar contains an entry for this variant (Variation ID: 1333583). This missense change has been observed in individual(s) with dihydropyrimidinase deficiency (PMID: 20362666). This variant is present in population databases (rs201457190, gnomAD 0.05%). This sequence change replaces threonine, which is neutral and polar, with alanine, which is neutral and non-polar, at codon 343 of the DPYS protein (p.Thr343Ala). Advanced modeling of protein sequence and biophysical properties (such as structural, functional, and spatial information, amino acid conservation, physicochemical variation, residue mobility, and thermodynamic stability) performed at Invitae indicates that this missense variant is not expected to disrupt DPYS protein function. In summary, the available evidence is currently insufficient to determine the role of this variant in disease. Therefore, it has been classified as a Variant of Uncertain Significance. Experimental studies have shown that this missense change affects DPYS function (PMID: 20362666, 28642038).

3billion
Classification: Uncertain significance for Dihydropyrimidinase deficiency. Last evaluated: 2022-01-03. Review status: criteria provided, single submitter. Criteria: ACMG Guidelines, 2015. Collection method: clinical testing. Allele origin: germline. Affected: yes. Observed: 1 heterozygote.
Comment: Same nucleotide change resulting in same amino acid change has been previously reported to be associated with DPYS related disorder (PMID:20362666, PS1_P). In silico tool predictions suggest damaging effect of the variant on gene or gene product (REVEL: 0.72, PP3_P). A missense variant is a common mechanism associated with Dihydropyrimidinuria (PP2_P). It is observed at an extremely low frequency in the gnomAD v2.1.1 dataset (total allele frequency: 0.000223, PM2_M). Therefore, this variant is classified as uncertain significance according to the recommendation of ACMG/AMP guideline.

Literature cited by the submitters: PubMed 20362666 (cited by 3 submitters); PubMed 28642038 (cited by Women's Health and Genetics/Laboratory Corporation of America, LabCorp and Labcorp Genetics (formerly Invitae), Labcorp).

NM_001385.3(DPYS):c.1027A>G (p.Thr343Ala)

Gene: DPYS (dihydropyrimidinase; minus strand). Cytogenetic location: 8q22.3.
Variant type: single nucleotide variant.
Coding change: c.1027A>G on transcript NM_001385.3 (MANE Select); coding-DNA position 1027, A replaced by G.
Protein change: p.Thr343Ala; replaces threonine 343 with alanine.
Molecular consequence: missense variant.
Genome position (GRCh38, 1-based): chr8:104,428,045, T>C on the plus strand (A>G on the coding strand, the complement: DPYS is on the minus strand). VCF-style: chr8-104428045-T-C. GRCh37 (hg19) VCF-style: chr8-105440273-T-C.
Other names: short protein forms T343A.
Identifiers: ClinVar variation 1333583 (VCV001333583.7), dbSNP rs201457190, ClinGen allele CA4838389.